The following is an entry in ClinVar:

NM_006506.5(RASA2):c.1382_1479dup (p.Pro494delinsThrSerTyrSerIleGlnLeuTer)

Gene: RASA2 (RAS p21 protein activator 2; plus strand). Cytogenetic location: 3q23.
Variant type: Duplication.
Coding change: c.1382_1479dup on transcript NM_006506.5 (MANE Select); coding-DNA positions 1382 to 1479, 98 bases duplicated.
Protein change: p.Pro494delinsThrSerTyrSerIleGlnLeuTer.
Molecular consequence: nonsense.
Genome position (GRCh38, 1-based): chr3:141,573,966-141,574,063, 98 bases duplicated. GRCh37 (hg19): chr3:141,292,808-141,292,905.
Other names: c.1382_1479dup, p.Pro494delinsThrSerTyrSerIleGlnLeuTer (NM_001303245.3, NM_001303246.3).
Identifiers: ClinVar variation 917762 (VCV000917762.1), dbSNP rs2082966552, ClinGen allele CA1139658283.

ClinVar aggregate classification (germline): Uncertain significance (1 of 4 stars; one submission).

Submission:

Women's Health and Genetics/Laboratory Corporation of America, LabCorp
Classification: Uncertain significance. Last evaluated: 2020-04-13. Review status: criteria provided, single submitter. Criteria: LabCorp Variant Classification Summary - May 2015. Collection method: clinical testing. Allele origin: germline.
Comment: Variant summary: RASA2 c.1382_1479dup98 (p.Pro494ThrfsX8) results in a premature termination codon, predicted to cause a truncation of the encoded protein. The variant was absent in 239394 control chromosomes (gnomAD). The available data on variant occurrences in the general population are insufficient to allow any conclusion about variant significance. To our knowledge, no occurrence of c.1382_1479dup98 in individuals affected with Noonan Syndrome and Related Conditions and no experimental evidence demonstrating its impact on protein function have been reported. No clinical diagnostic laboratories have submitted clinical-significance assessments for this variant to ClinVar after 2014. Based on the evidence outlined above, the variant was classified as uncertain significance.